The following is an entry in ClinVar:

ClinVar aggregate classification (germline): Uncertain significance. Review status: criteria provided, multiple submitters, no conflicts (2 of 4 stars). 2 submissions from 2 submitters: Uncertain significance (2). Last evaluated 2024-02-14.

Conditions:
Kabuki syndrome. Also called: NIIKAWA-KUROKI SYNDROME; Kabuki make-up syndrome. Identifiers: Orphanet 2322, MedGen C0796004, MONDO:0016512.

Submissions (2):

Labcorp Genetics (formerly Invitae), Labcorp
Classification: Uncertain significance for Kabuki syndrome. Last evaluated: 2024-02-14. Review status: criteria provided, single submitter. Criteria: Invitae Variant Classification Sherloc (09022015). Collection method: clinical testing. Allele origin: germline.
Comment: This sequence change replaces arginine, which is basic and polar, with leucine, which is neutral and non-polar, at codon 4212 of the KMT2D protein (p.Arg4212Leu). Information on the frequency of this variant in the gnomAD database is not available, as this variant may be reported differently in the database. This variant has not been reported in the literature in individuals affected with KMT2D-related conditions. ClinVar contains an entry for this variant (Variation ID: 1328893). Experimental studies and prediction algorithms are not available or were not evaluated, and the functional significance of this variant is currently unknown. In summary, the available evidence is currently insufficient to determine the role of this variant in disease. Therefore, it has been classified as a Variant of Uncertain Significance.

GeneDx
Classification: Uncertain significance. Last evaluated: 2021-06-14. Review status: criteria provided, single submitter. Criteria: GeneDx Variant Classification Process June 2021. Collection method: clinical testing. Allele origin: germline. Affected: yes.
Comment: In silico analysis supports that this variant does not alter protein structure/function; Has not been previously published as pathogenic or benign to our knowledge; This variant is associated with the following publications: (PMID: 27535533)

NM_003482.4(KMT2D):c.12635_12636delinsTT (p.Arg4212Leu)

Gene: KMT2D (lysine methyltransferase 2D; minus strand). Cytogenetic location: 12q13.12.
Variant type: Indel.
Coding change: c.12635_12636delinsTT on transcript NM_003482.4 (MANE Select); coding-DNA positions 12635 to 12636, GG replaced by TT.
Protein change: p.Arg4212Leu; replaces arginine 4212 with leucine.
Molecular consequence: missense variant.
Genome position (GRCh38, 1-based): chr12:49,032,069-49,032,070, CC replaced by AA on the plus strand (GG replaced by TT on the coding strand, the reverse complement: KMT2D is on the minus strand). VCF-style: chr12-49032069-CC-AA. GRCh37 (hg19) VCF-style: chr12-49425852-CC-AA.
Other names: short protein forms R4212L.
Identifiers: ClinVar variation 1328893 (VCV001328893.4), dbSNP rs2120427887, ClinGen allele CA2573053678.